The following is an entry in ClinVar:

ClinVar aggregate classification (germline): Uncertain significance (1 of 4 stars; one submission).

Submission:

Labcorp Genetics (formerly Invitae), Labcorp
Classification: Uncertain significance. Last evaluated: 2021-06-17. Review status: criteria provided, single submitter. Criteria: Invitae Variant Classification Sherloc (09022015). Collection method: clinical testing. Allele origin: germline.
Comment: In summary, the available evidence is currently insufficient to determine the role of this variant in disease. Therefore, it has been classified as a Variant of Uncertain Significance. Algorithms developed to predict the effect of sequence changes on RNA splicing suggest that this variant may disrupt the consensus splice site, but this prediction has not been confirmed by published transcriptional studies. This variant has not been reported in the literature in individuals with COL9A3-related conditions. This variant is not present in population databases (ExAC no frequency). This sequence change falls in intron 9 of the COL9A3 gene. It does not directly change the encoded amino acid sequence of the COL9A3 protein.

NM_001853.4(COL9A3):c.478-12_478-8del

Gene: COL9A3 (collagen type IX alpha 3 chain; plus strand). Cytogenetic location: 20q13.33.
Variant type: Deletion.
Coding change: c.478-12_478-8del on transcript NM_001853.4 (MANE Select); 12 bases into the intron before coding-DNA position 478 through 8 bases into the intron before coding-DNA position 478, 5 bases deleted (TTTTT; older notation c.478-12_478-8delTTTTT).
Molecular consequence: intron variant.
Genome position (GRCh38, 1-based): chr20:62,822,579-62,822,583, TTTTT deleted. VCF-style (leftmost placement, unchanged base first): chr20-62822578-CTTTTT-C. GRCh37 (hg19) VCF-style: chr20-61453930-CTTTTT-C.
Identifiers: ClinVar variation 1520881 (VCV001520881.8), dbSNP rs2147202029, ClinGen allele CA2573157271.
Genomic context (GRCh38, chr20:62,822,578, plus strand): 5'-TGGGTGGGTGGGTTGGGTGGCTGCAGGTGGCTGGGGAGGGCGGGAGAATGTCAGCTGTCT[CTTTTT>C]GTCTTAGGGACACCCAGGAGTCCTCCCTGAAGGCGCTACTGACCTTCAGGTAGGCACTTG-3'